The following is an entry in ClinVar:

NM_006494.4(ERF):c.523G>A (p.Ala175Thr)

Gene: ERF (ETS2 repressor factor; minus strand). Cytogenetic location: 19q13.2.
Variant type: single nucleotide variant.
Coding change: c.523G>A on transcript NM_006494.4 (MANE Select); coding-DNA position 523, G replaced by A.
Protein change: p.Ala175Thr; replaces alanine 175 with threonine.
Molecular consequence: missense variant.
Genome position (GRCh38, 1-based): chr19:42,249,589, C>T on the plus strand (G>A on the coding strand, the complement: ERF is on the minus strand). VCF-style: chr19-42249589-C-T. GRCh37 (hg19) VCF-style: chr19-42753741-C-T.
Other names: c.298G>A, p.Ala100Thr (NM_001301035.2, NM_001308402.2, NM_001312656.2); short protein forms A100T, A175T.
Identifiers: ClinVar variation 1305036 (VCV001305036.2), dbSNP rs2146950373, ClinGen allele CA406112956.

ClinVar aggregate classification (germline): Uncertain significance (1 of 4 stars; one submission).

Submission:

GeneDx
Classification: Uncertain significance. Last evaluated: 2019-04-12. Review status: criteria provided, single submitter. Criteria: GeneDx Variant Classification Process June 2021. Collection method: clinical testing. Allele origin: germline. Affected: yes.
Comment: Not observed in large population cohorts (Lek et al., 2016); In silico analysis, which includes protein predictors and evolutionary conservation, supports that this variant does not alter protein structure/function; Has not been previously published as pathogenic or benign to our knowledge